The following is an entry in ClinVar:

NM_001003800.2(BICD2):c.2142G>C (p.Lys714Asn)

Gene: BICD2 (BICD cargo adaptor 2; minus strand). Cytogenetic location: 9q22.31.
Variant type: single nucleotide variant.
Coding change: c.2142G>C on transcript NM_001003800.2 (MANE Select); coding-DNA position 2142, G replaced by C.
Protein change: p.Lys714Asn; replaces lysine 714 with asparagine.
Molecular consequence: missense variant.
Genome position (GRCh38, 1-based): chr9:92,717,913, C>G on the plus strand (G>C on the coding strand, the complement: BICD2 is on the minus strand). VCF-style: chr9-92717913-C-G. GRCh37 (hg19) VCF-style: chr9-95480195-C-G.
Other names: p.Lys714Asn; c.2142G>C, p.Lys714Asn (NM_015250.4); short protein forms K714N.
Identifiers: ClinVar variation 383686 (VCV000383686.13), dbSNP rs777986224, ClinGen allele CA5126383.

ClinVar aggregate classification (germline): Conflicting classifications of pathogenicity. Review status: criteria provided, conflicting classifications (1 of 4 stars). 5 submissions from 5 submitters: Uncertain significance (2); Benign (1); Likely benign (2). Last evaluated 2025-11-26.

Conditions:
BICD2-related disorder. Also called: BICD2-related condition.
Autosomal dominant childhood-onset proximal spinal muscular atrophy with contractures (SMALED2A). Also called: SPINAL MUSCULAR ATROPHY, LOWER EXTREMITY-PREDOMINANT, 2A, CHILDHOOD ONSET, AUTOSOMAL DOMINANT; Spinal muscular atrophy, lower extremity-predominant, 2A, autosomal dominant. Identifiers: Orphanet 363447, Orphanet 363454, MedGen C4747715, MONDO:0014121, OMIM 615290.

Allele frequency attached by ClinVar (database versions not stated): ExAC 0.00003; gnomAD exomes 0.00006; gnomAD 0.00007; TOPMed 0.00007.
gnomAD v4.1: 197 of 1,613,564 alleles (0.012%); highest among the groups gnomAD compares: Non-Finnish European, 0.015%; no homozygotes.

Submissions (5):

Women's Health and Genetics/Laboratory Corporation of America, LabCorp
Classification: Likely benign. Last evaluated: 2025-11-26. Review status: criteria provided, single submitter. Criteria: LabCorp Variant Classification Summary - May 2015. Collection method: clinical testing. Allele origin: germline.
Comment: Variant summary: BICD2 c.2142G>C (p.Lys714Asn) results in a non-conservative amino acid change in the encoded protein sequence. Algorithms developed to predict the effect of missense changes on protein structure and function are either unavailable or do not agree on the potential impact of this missense change. The variant allele was found at a frequency of 0.00012 in 1606958 control chromosomes, predominantly at a frequency of 0.00015 within the Non-Finnish European subpopulation in the gnomAD database. The observed variant frequency within Non-Finnish European control individuals in the gnomAD database exceeds the estimated maximal expected allele frequency for disease-causing variants in BICD2. To our knowledge, no occurrence of c.2142G>C in individuals affected with BICD2-related conditions and no experimental evidence demonstrating its impact on protein function have been reported. ClinVar contains an entry for this variant (Variation ID: 383686). Based on the evidence outlined above, the variant was classified as likely benign.

PreventionGenetics, part of Exact Sciences
Classification: Likely benign for BICD2-related condition. Last evaluated: 2025-10-29. Review status: criteria provided, single submitter. Criteria: ACMG Guidelines, 2015. Collection method: clinical testing. Allele origin: germline.
Comment: This variant is classified as likely benign based on ACMG/AMP sequence variant interpretation guidelines (Richards et al. 2015 PMID: 25741868, with internal and published modifications).

Labcorp Genetics (formerly Invitae), Labcorp
Classification: Benign for Autosomal dominant childhood-onset proximal spinal muscular atrophy with contractures. Last evaluated: 2025-10-23. Review status: criteria provided, single submitter. Criteria: Invitae Variant Classification Sherloc (09022015). Collection method: clinical testing. Allele origin: germline.

Mayo Clinic Laboratories, Mayo Clinic
Classification: Uncertain significance. Last evaluated: 2022-10-27. Review status: criteria provided, single submitter. Criteria: ACMG Guidelines, 2015. Collection method: clinical testing. Allele origin: germline. Observed: 1 variant allele.
Comment: BS2

GeneDx
Classification: Uncertain significance. Last evaluated: 2016-03-12. Review status: criteria provided, single submitter. Criteria: GeneDx Variant Classification (06012015). Collection method: clinical testing. Allele origin: germline. Affected: yes.
Comment: The K714N variant in the BICD2 gene has not been reported previously as a pathogenic variant, nor as a benign variant, to our knowledge. The K714N variant was not observed in approximately 6500 individuals of European and African American ancestry in the NHLBI Exome Sequencing Project, indicating it is not a common benign variant in these populations. The K714N variant is a semi-conservative amino acid substitution, which occurs in a region for interaction with RAB6A and the coiled coil region at a position that is conserved across species. In silico analysis is inconsistent in its predictions as to whether or not the variant is damaging to the protein structure/function. We interpret K714N as a variant of uncertain significance.